The following is an entry in ClinVar:

NM_004304.5(ALK):c.3272A>G (p.Asp1091Gly)

Gene: ALK (ALK receptor tyrosine kinase; minus strand). Cytogenetic location: 2p23.2.
Variant type: single nucleotide variant.
Coding change: c.3272A>G on transcript NM_004304.5 (MANE Select); coding-DNA position 3272, A replaced by G.
Protein change: p.Asp1091Gly; replaces aspartic acid 1091 with glycine.
Molecular consequence: missense variant.
Genome position (GRCh38, 1-based): chr2:29,223,429, T>C on the plus strand (A>G on the coding strand, the complement: ALK is on the minus strand). VCF-style: chr2-29223429-T-C. GRCh37 (hg19) VCF-style: chr2-29446295-T-C.
Other names: c.3272A>G (NM_004304.4); c.68A>G, p.Asp23Gly (NM_001353765.2); short protein forms D1091G, D23G.
Identifiers: ClinVar variation 2147031 (VCV002147031.5), dbSNP rs1252535185, ClinGen allele CA346465011.

ClinVar aggregate classification (germline): Uncertain significance. Review status: criteria provided, multiple submitters, no conflicts (2 of 4 stars). 2 submissions from 2 submitters: Uncertain significance (2). Last evaluated 2025-04-01.

Conditions:
Neuroblastoma, susceptibility to, 3. Also called: ALK-Related Neuroblastic Tumor Susceptibility. Identifiers: Orphanet 635, MedGen C2751681, MONDO:0013083, OMIM 613014.
Hereditary cancer-predisposing syndrome. Also called: Neoplastic Syndromes, Hereditary; Hereditary neoplastic syndrome; Hereditary Cancer Syndrome; Tumor predisposition. Identifiers: Orphanet 140162, MedGen C0027672, MeSH D009386, MONDO:0015356.

Allele frequency attached by ClinVar (database versions not stated): gnomAD exomes below 0.00001.
gnomAD v4.1: 2 of 1,614,152 alleles (0.00012%); highest among the groups gnomAD compares: Non-Finnish European, 0.00017%; no homozygotes.

Submissions (2):

Labcorp Genetics (formerly Invitae), Labcorp
Classification: Uncertain significance for Neuroblastoma, susceptibility to, 3. Last evaluated: 2025-04-01. Review status: criteria provided, single submitter. Criteria: Invitae Variant Classification Sherloc (09022015). Collection method: clinical testing. Allele origin: germline.
Comment: This sequence change replaces aspartic acid, which is acidic and polar, with glycine, which is neutral and non-polar, at codon 1091 of the ALK protein (p.Asp1091Gly). This variant is present in population databases (no rsID available, gnomAD 0.002%). This variant has not been reported in the literature in individuals affected with ALK-related conditions. ClinVar contains an entry for this variant (Variation ID: 2147031). An algorithm developed to predict the effect of missense changes on protein structure and function (PolyPhen-2) suggests that this variant is likely to be disruptive. In summary, the available evidence is currently insufficient to determine the role of this variant in disease. Therefore, it has been classified as a Variant of Uncertain Significance.

Ambry Genetics
Classification: Uncertain significance for Hereditary cancer-predisposing syndrome. Last evaluated: 2023-01-05. Review status: criteria provided, single submitter. Criteria: Ambry Variant Classification Scheme 2023. Collection method: clinical testing. Allele origin: germline.
Comment: The p.D1091G variant (also known as c.3272A>G), located in coding exon 20 of the ALK gene, results from an A to G substitution at nucleotide position 3272. The aspartic acid at codon 1091 is replaced by glycine, an amino acid with similar properties. This amino acid position is conserved. In addition, this alteration is predicted to be deleterious by in silico analysis. Since supporting evidence is limited at this time, the clinical significance of this alteration remains unclear.